The following is an entry in ClinVar:

ClinVar aggregate classification (germline): Benign (1 of 4 stars; one submission).

Submission:

Unidad de Genómica Garrahan, Hospital de Pediatría Garrahan
Classification: Benign. Last evaluated: 2024-01-24. Review status: criteria provided, single submitter. Criteria: ACMG Guidelines, 2015. Collection method: clinical testing. Allele origin: germline. Affected: no. Observed: 76 variant alleles.
Comment: This variant is classified as Benign based on local population frequency. This variant was detected in 80% of patients studied by a panel of primary immunodeficiencies. Number of patients: 76. Only high quality variants are reported.

NM_006254.4(PRKCD):c.315+43_315+44insGTCT

Gene: PRKCD (protein kinase C delta; plus strand). Cytogenetic location: 3p21.1.
Variant type: Insertion.
Coding change: c.315+43_315+44insGTCT on transcript NM_006254.4 (MANE Select); bases 43 to 44 of the intron after coding-DNA position 315, GTCT inserted.
Molecular consequence: intron variant.
Genome position: GRCh38 VCF-style: chr3-53179818-G-GTGTC. GRCh37 (hg19) VCF-style: chr3-53213834-G-GTGTC.
Other names: c.315+43_315+44insGTCT (NM_001354680.2, NM_001354679.2, NM_212539.2 and 1 more transcripts); c.372+43_372+44insGTCT (NM_001354676.2); c.363+43_363+44insGTCT (NM_001354678.2).
Identifiers: ClinVar variation 2687983 (VCV002687983.2), dbSNP rs1178447820, ClinGen allele CA2577791626.